The following is an entry in ClinVar:

ClinVar aggregate classification (germline): Likely benign (1 of 4 stars; one submission).

Conditions:
Majeed syndrome (MJDS). Also called: CHRONIC RECURRENT MULTIFOCAL OSTEOMYELITIS 1, WITH CONGENITAL DYSERYTHROPOIETIC ANEMIA, WITH OR WITHOUT NEUTROPHILIC DERMATOSIS; LPIN2-Related Majeed Syndrome. Identifiers: Orphanet 77297, MedGen C1864997, MONDO:0012316, OMIM 609628.

Allele frequency attached by ClinVar (database versions not stated): 1000 Genomes Project 0.00200; gnomAD 0.00201 and 0.00215; 1000 Genomes Project 30x 0.00250; TOPMed 0.00250.

Submission:

Illumina Laboratory Services, Illumina
Classification: Likely benign for Majeed syndrome. Last evaluated: 2018-01-13. Review status: criteria provided, single submitter. Criteria: ICSL Variant Classification Criteria 13 December 2019. Collection method: clinical testing. Allele origin: germline.
Comment: This variant was observed in the ICSL laboratory as part of a predisposition screen in an ostensibly healthy population. It had not been previously curated by ICSL or reported in the Human Gene Mutation Database (HGMD: prior to June 1st, 2018), and was therefore a candidate for classification through an automated scoring system. Utilizing variant allele frequency, disease prevalence and penetrance estimates, and inheritance mode, an automated score was calculated to assess if this variant is too frequent to cause the disease. Based on the score and internal cut-off values, a variant classified as likely benign is not then subjected to further curation. The score for this variant resulted in a classification of likely benign for this disease.

NM_001375808.2(LPIN2):c.*1147A>G

Gene: LPIN2 (lipin 2; minus strand). Cytogenetic location: 18p11.31.
Variant type: single nucleotide variant.
Coding change: c.*1147A>G on transcript NM_001375808.2 (MANE Select); 1147 bases downstream of the stop codon, A replaced by G.
Molecular consequence: 3 prime UTR variant.
Genome position (GRCh38, 1-based): chr18:2,919,146, T>C on the plus strand (A>G on the coding strand, the complement: LPIN2 is on the minus strand). VCF-style: chr18-2919146-T-C. GRCh37 (hg19) VCF-style: chr18-2919144-T-C.
Other names: c.*1147A>G (NM_001375809.1, NM_014646.2).
Identifiers: ClinVar variation 892205 (VCV000892205.4), dbSNP rs139015163, ClinGen allele CA295493022.
Genomic context (GRCh38, chr18:2,919,146, plus strand): 5'-TTCAGACACGATGTGAGCTCATTACAACCGCATCAGTAAATGGAGCTACCATGTATATTT[T>C]AGTGAAAATACATAGGCACCCGTGTCCCCATGGGGTCTCACAGGGCTAGGCTGGGGACAC-3'